The following is an entry in ClinVar:

NM_003242.6(TGFBR2):c.1334C>A (p.Thr445Asn)

Gene: TGFBR2 (transforming growth factor beta receptor 2; plus strand). Cytogenetic location: 3p24.1.
Variant type: single nucleotide variant.
Coding change: c.1334C>A on transcript NM_003242.6 (MANE Select); coding-DNA position 1334, C replaced by A.
Protein change: p.Thr445Asn; replaces threonine 445 with asparagine.
Molecular consequence: missense variant.
Genome position (GRCh38, 1-based): chr3:30,674,184, C>A. VCF-style: chr3-30674184-C-A. GRCh37 (hg19) VCF-style: chr3-30715676-C-A.
Other names: c.1517C>A, p.Thr506Asn (NM_001407126.1); c.1442C>A, p.Thr481Asn (NM_001407127.1); c.1361C>A, p.Thr454Asn (NM_001407128.1); c.1337C>A, p.Thr446Asn (NM_001407129.1); c.1334C>A, p.Thr445Asn (NM_001407130.1); c.1229C>A, p.Thr410Asn (NM_001407132.1, NM_001407133.1, NM_001407134.1 and 2 more transcripts); c.1409C>A, p.Thr470Asn (NM_001024847.3); c.1049C>A, p.Thr350Asn (NM_001407137.1); and 1 more; short protein forms T445N, T470N, T325N, T446N, T454N, T506N, T350N, T410N.
Identifiers: ClinVar variation 263822 (VCV000263822.8), dbSNP rs886038936, ClinGen allele CA10587571.

ClinVar aggregate classification (germline): Uncertain significance. Review status: criteria provided, multiple submitters, no conflicts (2 of 4 stars). 2 submissions from 2 submitters: Uncertain significance (2). Last evaluated 2025-04-17.

Conditions:
Cardiovascular phenotype. Identifiers: MedGen CN230736.
Familial thoracic aortic aneurysm and aortic dissection (TAAD). Also called: Thoracic aortic aneurysms and dissections. Identifiers: Orphanet 91387, MedGen C4707243, MONDO:0019625.

Submissions (2):

Labcorp Genetics (formerly Invitae), Labcorp
Classification: Uncertain significance for Familial thoracic aortic aneurysm and aortic dissection. Last evaluated: 2025-04-17. Review status: criteria provided, single submitter. Criteria: Invitae Variant Classification Sherloc (09022015). Collection method: clinical testing. Allele origin: germline.
Comment: This sequence change replaces threonine, which is neutral and polar, with asparagine, which is neutral and polar, at codon 445 of the TGFBR2 protein (p.Thr445Asn). This variant is not present in population databases (gnomAD no frequency). This missense change has been observed in individual(s) with clinical features of TGFBR2-related conditions (PMID: 34456093; internal data). ClinVar contains an entry for this variant (Variation ID: 263822). Invitae Evidence Modeling of protein sequence and biophysical properties (such as structural, functional, and spatial information, amino acid conservation, physicochemical variation, residue mobility, and thermodynamic stability) has been performed for this missense variant. However, the output from this modeling did not meet the statistical confidence thresholds required to predict the impact of this variant on TGFBR2 protein function. In summary, the available evidence is currently insufficient to determine the role of this variant in disease. Therefore, it has been classified as a Variant of Uncertain Significance.

Ambry Genetics
Classification: Uncertain significance for Cardiovascular phenotype. Last evaluated: 2014-03-05. Review status: criteria provided, single submitter. Criteria: Ambry Autosomal Dominant and X-Linked criteria (10/2015). Collection method: clinical testing. Allele origin: germline. Observed: 1 variant allele.
Comment: The p.T445N variant (also known as c.1334C>A), located in coding exon 5 of the TGFBR2 gene in a serine/threonine kinase domain, results from a C to A substitution at nucleotide position 1334. The threonine at codon 445 is replaced by asparagine, an amino acid with similar properties. This variant was not reported in population-based cohorts in the following databases: Database of Single Nucleotide Polymorphisms (dbSNP), NHLBI Exome Sequencing Project (ESP), and 1000 Genomes Project. Based on protein sequence alignment, this amino acid position is highly conserved in most available vertebrate species except for fish. In addition, the in silico prediction for this alteration is inconclusive. Since supporting evidence is limited at this time, the clinical significance of this variant remains unclear.

Literature cited by the submitters: PubMed 34456093 (cited by Labcorp Genetics (formerly Invitae), Labcorp).